The following is an entry in ClinVar:

NM_006904.7(PRKDC):c.8397+4A>G

Gene: PRKDC (protein kinase, DNA-activated, catalytic subunit; minus strand). Cytogenetic location: 8q11.21.
Variant type: single nucleotide variant.
Coding change: c.8397+4A>G on transcript NM_006904.7 (MANE Select); 4 bases into the intron after coding-DNA position 8397, A replaced by G.
Molecular consequence: intron variant.
Genome position (GRCh38, 1-based): chr8:47,830,601, T>C on the plus strand (A>G on the coding strand, the complement: PRKDC is on the minus strand). VCF-style: chr8-47830601-T-C. GRCh37 (hg19) VCF-style: chr8-48743162-T-C.
Other names: c.8397+4A>G (NM_001081640.2).
Identifiers: ClinVar variation 2788872 (VCV002788872.3), dbSNP rs754219401, ClinGen allele CA4739841.

ClinVar aggregate classification (germline): Uncertain significance (1 of 4 stars; one submission).

Conditions:
Severe combined immunodeficiency due to DNA-PKcs deficiency. Also called: Immunodeficiency 26 with or without neurologic abnormalities; IMMUNODEFICIENCY 26 WITH NEUROLOGIC ABNORMALITIES. Identifiers: Orphanet 317425, MedGen C4014833, MONDO:0014423, OMIM 615966.

Allele frequency attached by ClinVar (database versions not stated): gnomAD exomes below 0.00001; ExAC 0.00001.
gnomAD v4.1: 1 of 1,612,900 alleles (0.000062%); highest among the groups gnomAD compares: Non-Finnish European, 0.000085%; no homozygotes.

Submission:

Labcorp Genetics (formerly Invitae), Labcorp
Classification: Uncertain significance for Severe combined immunodeficiency due to DNA-PKcs deficiency. Last evaluated: 2024-04-10. Review status: criteria provided, single submitter. Criteria: Invitae Variant Classification Sherloc (09022015). Collection method: clinical testing. Allele origin: germline.
Comment: This sequence change falls in intron 61 of the PRKDC gene. It does not directly change the encoded amino acid sequence of the PRKDC protein. It affects a nucleotide within the consensus splice site. This variant is present in population databases (rs754219401, gnomAD 0.0009%). This variant has not been reported in the literature in individuals affected with PRKDC-related conditions. Variants that disrupt the consensus splice site are a relatively common cause of aberrant splicing (PMID: 17576681, 9536098). Algorithms developed to predict the effect of sequence changes on RNA splicing suggest that this variant is not likely to affect RNA splicing. In summary, the available evidence is currently insufficient to determine the role of this variant in disease. Therefore, it has been classified as a Variant of Uncertain Significance.

Literature cited by the submitters: PubMed 17576681; PubMed 9536098.